The following is an entry in ClinVar:

ClinVar aggregate classification (germline): Uncertain significance. Review status: criteria provided, multiple submitters, no conflicts (2 of 4 stars). 2 submissions from 2 submitters: Uncertain significance (2). Last evaluated 2024-07-06.

Conditions:
Cardiovascular phenotype. Identifiers: MedGen CN230736.

Submissions (2):

Ambry Genetics
Classification: Uncertain significance for Cardiovascular phenotype. Last evaluated: 2024-07-06. Review status: criteria provided, single submitter. Criteria: Ambry Variant Classification Scheme 2023. Collection method: clinical testing. Allele origin: germline.
Comment: The p.P59Q variant (also known as c.176C>A), located in coding exon 1 of the FOXE3 gene, results from a C to A substitution at nucleotide position 176. The proline at codon 59 is replaced by glutamine, an amino acid with similar properties. This amino acid position is conserved. In addition, this alteration is predicted to be tolerated by in silico analysis. Based on the available evidence, the clinical significance of this variant remains unclear.

Blueprint Genetics
Classification: Uncertain significance. Last evaluated: 2024-07-04. Review status: criteria provided, single submitter. Criteria: ACMG Guidelines, 2015. Collection method: clinical testing. Allele origin: germline.

NM_012186.3(FOXE3):c.176C>A (p.Pro59Gln)

Genes: FOXE3 (forkhead box E3; plus strand), LINC01389 (long independently transcribed non-coding RNA 1389; minus strand). Cytogenetic location: 1p33.
Variant type: single nucleotide variant.
Coding change: c.176C>A on transcript NM_012186.3 (MANE Select); coding-DNA position 176, C replaced by A.
Protein change: p.Pro59Gln; replaces proline 59 with glutamine.
Molecular consequence: missense variant.
Genome position (GRCh38, 1-based): chr1:47,416,491, C>A. VCF-style: chr1-47416491-C-A. GRCh37 (hg19) VCF-style: chr1-47882163-C-A.
Other names: short protein forms P59Q.
Identifiers: ClinVar variation 3516689 (VCV003516689.2).